The following is an entry in ClinVar:

ClinVar aggregate classification (germline): Uncertain significance. Review status: criteria provided, multiple submitters, no conflicts (2 of 4 stars). 3 submissions from 3 submitters: Uncertain significance (2). 1 of the submissions does not count toward it. Last evaluated 2026-04-14.

Conditions:
Cystic fibrosis (CF). Also called: MUCOVISCIDOSIS. Identifiers: Orphanet 586, MedGen C0010674, MONDO:0009061, OMIM 219700. Disease mechanism: loss of function.

Allele frequency attached by ClinVar (database versions not stated): gnomAD 0.00001; gnomAD exomes below 0.00001; TOPMed 0.00002.
gnomAD v4.1: 2 of 1,612,336 alleles (0.00012%); highest among the groups gnomAD compares: Admixed American, 0.0017%; no homozygotes.

Submissions (3):

Women's Health and Genetics/Laboratory Corporation of America, LabCorp
Classification: Uncertain significance. Last evaluated: 2026-04-14. Review status: criteria provided, single submitter. Criteria: LabCorp Variant Classification Summary - May 2015. Collection method: clinical testing. Allele origin: germline.
Comment: Variant summary: CFTR c.290T>C (p.Val97Ala) results in a non-conservative amino acid change in the encoded protein sequence. Algorithms developed to predict the effect of missense changes on protein structure and function all suggest that this variant is likely to be disruptive. The variant allele was found at a frequency of 4e-06 in 251024 control chromosomes. The available data on variant occurrences in the general population are insufficient to allow any conclusion about variant significance. c.290T>C has been observed in an individual with a positive Cystic Fibrosis newborn screening result (Kharrazi_2015). This report does not provide unequivocal conclusions about association of the variant with Cystic Fibrosis. One publication reports experimental evidence evaluating an impact on protein function, however, does not allow convincing conclusions about the variant effect (Ge_2004). The following publications have been ascertained in the context of this evaluation (PMID: 15504721, 26574590). ClinVar contains an entry for this variant (Variation ID: 554723). Based on the evidence outlined above, the variant was classified as uncertain significance.

ARUP Laboratories, Molecular Genetics and Genomics, ARUP Laboratories
Classification: Uncertain significance. Last evaluated: 2023-08-10. Review status: criteria provided, single submitter. Criteria: ARUP Molecular Germline Variant Investigation Process 2024. Collection method: clinical testing. Allele origin: germline.
Comment: The CFTR c.290T>C; p.Val97Ala variant (rs1235363099) is reported in the literature in an individual identified by newborn screening (Kharrazi 2015). Functional studies showed this variant does not alter single channel conductance, but may affect permeant anion binding (Ge 2004). This variant is also reported in ClinVar (Variation ID: 554723). It is only observed on two alleles in the Genome Aggregation Database, indicating it is not a common polymorphism. Computational analyses predict that this variant is deleterious (REVEL: 0.801). Due to limited information, the clinical significance of this variant is uncertain at this time. References: Ge N et al. Direct comparison of the functional roles played by different transmembrane regions in the cystic fibrosis transmembrane conductance regulator chloride channel pore. J Biol Chem. 2004 Dec 31;279(53):55283-9. PMID: 15504721. Kharrazi M et al. Newborn Screening for Cystic Fibrosis in California. Pediatrics. 2015 Dec;136(6):1062-72. Epub 2015 Nov 16. PMID: 26574590.

Counsyl
Classification: Uncertain significance for Cystic fibrosis. Last evaluated: 2017-11-02. Review status: no assertion criteria provided. Collection method: clinical testing. Allele origin: unknown. Not counted in ClinVar's aggregate classification.

Literature cited by the submitters: PubMed 26574590 (cited by Women's Health and Genetics/Laboratory Corporation of America, LabCorp and Counsyl); PubMed 15504721 (cited by Women's Health and Genetics/Laboratory Corporation of America, LabCorp and Counsyl); PubMed 32734384 (cited by Women's Health and Genetics/Laboratory Corporation of America, LabCorp).

NM_000492.4(CFTR):c.290T>C (p.Val97Ala)

Gene: CFTR (CF transmembrane conductance regulator; plus strand). Cytogenetic location: 7q31.2.
Variant type: single nucleotide variant.
Coding change: c.290T>C on transcript NM_000492.4 (MANE Select); coding-DNA position 290, T replaced by C.
Protein change: p.Val97Ala; replaces valine 97 with alanine.
Molecular consequence: missense variant.
Genome position (GRCh38, 1-based): chr7:117,530,915, T>C. VCF-style: chr7-117530915-T-C. GRCh37 (hg19) VCF-style: chr7-117170969-T-C.
Other names: short protein forms V97A.
Identifiers: ClinVar variation 554723 (VCV000554723.7), dbSNP rs1235363099, ClinGen allele CA368974244.